The following is an entry in ClinVar:

ClinVar aggregate classification (germline): Uncertain significance. Review status: criteria provided, multiple submitters, no conflicts (2 of 4 stars). 3 submissions from 3 submitters: Uncertain significance (3). Last evaluated 2024-04-17.

Conditions:
Developmental and epileptic encephalopathy, 23 (DEE23). Also called: Epileptic encephalopathy, early infantile, 23. Identifiers: Orphanet 411986, MedGen C4014492, MONDO:0014371, OMIM 615859.

Allele frequency attached by ClinVar (database versions not stated): gnomAD 0.00001.
gnomAD v4.1: 1 of 1,613,170 alleles (0.000062%); highest among the groups gnomAD compares: Non-Finnish European, 0.000085%; no homozygotes.

Submissions (3):

Labcorp Genetics (formerly Invitae), Labcorp
Classification: Uncertain significance for Developmental and epileptic encephalopathy, 23. Last evaluated: 2024-04-17. Review status: criteria provided, single submitter. Criteria: Invitae Variant Classification Sherloc (09022015). Collection method: clinical testing. Allele origin: germline.
Comment: This sequence change replaces arginine, which is basic and polar, with glycine, which is neutral and non-polar, at codon 231 of the DOCK7 protein (p.Arg231Gly). This variant is not present in population databases (gnomAD no frequency). This variant has not been reported in the literature in individuals affected with DOCK7-related conditions. ClinVar contains an entry for this variant (Variation ID: 1481439). Advanced modeling of protein sequence and biophysical properties (such as structural, functional, and spatial information, amino acid conservation, physicochemical variation, residue mobility, and thermodynamic stability) performed at Invitae indicates that this missense variant is expected to disrupt DOCK7 protein function with a positive predictive value of 80%. In summary, the available evidence is currently insufficient to determine the role of this variant in disease. Therefore, it has been classified as a Variant of Uncertain Significance.

Genome-Nilou Lab
Classification: Uncertain significance for Developmental and epileptic encephalopathy, 23. Last evaluated: 2023-04-11. Review status: criteria provided, single submitter. Criteria: ACMG Guidelines, 2015. Collection method: clinical testing. Allele origin: germline. Affected: no.

Center for Genomics, Ann and Robert H. Lurie Children's Hospital of Chicago
Classification: Uncertain significance for Developmental and epileptic encephalopathy, 23. Last evaluated: 2021-06-16. Review status: criteria provided, single submitter. Criteria: ACMG Guidelines, 2015. Collection method: clinical testing. Allele origin: germline.
Comment: DOCK7 NM_001271999.1 exon 6 p.Arg231Gly (c.691C>G): This variant has not been reported in the literature but is present in 0.001% (1/67932) of European alleles in the Genome Aggregation Database. Evolutionary conservation and computational predictive tools suggest that this variant may impact the protein. In summary, data on this variant is insufficient for disease classification. Therefore, the clinical significance of this variant is uncertain.

NM_001367561.1(DOCK7):c.691C>G (p.Arg231Gly)

Gene: DOCK7 (dedicator of cytokinesis 7; minus strand). Cytogenetic location: 1p31.3.
Variant type: single nucleotide variant.
Coding change: c.691C>G on transcript NM_001367561.1 (MANE Select); coding-DNA position 691, C replaced by G.
Protein change: p.Arg231Gly; replaces arginine 231 with glycine.
Molecular consequence: missense variant.
Genome position (GRCh38, 1-based): chr1:62,648,147, G>C on the plus strand (C>G on the coding strand, the complement: DOCK7 is on the minus strand). VCF-style: chr1-62648147-G-C. GRCh37 (hg19) VCF-style: chr1-63113818-G-C.
Other names: c.691C>G, p.Arg231Gly (NM_001271999.2, NM_001272000.2, NM_001272001.2 and 3 more transcripts); short protein forms R231G.
Identifiers: ClinVar variation 1481439 (VCV001481439.8), dbSNP rs1254316274, ClinGen allele CA340627134.